The following is an entry in ClinVar:

ClinVar aggregate classification (germline): Likely benign. Review status: criteria provided, multiple submitters, no conflicts (2 of 4 stars). 2 submissions from 2 submitters: Likely benign (2). Last evaluated 2026-03-01.

gnomAD v4.1: 2,041 of 1,603,522 alleles (0.13%); highest among the groups gnomAD compares: Non-Finnish European, 0.15%; 2 homozygotes.

Submissions (2):

CeGaT Center for Human Genetics Tuebingen
Classification: Likely benign. Last evaluated: 2026-03-01. Review status: criteria provided, single submitter. Criteria: CeGaT Center For Human Genetics Tuebingen Variant Classification Criteria Version 2. Collection method: clinical testing. Allele origin: germline. Affected: yes. Observed: 1 variant allele.
Comment: KIF26A: BP4, BP7

Blueprint Genetics
Classification: Likely benign. Last evaluated: 2024-11-20. Review status: criteria provided, single submitter. Criteria: ACMG Guidelines, 2015. Collection method: clinical testing. Allele origin: germline.

NM_015656.2(KIF26A):c.2313C>G (p.Pro771=)

Gene: KIF26A (kinesin family member 26A; plus strand). Cytogenetic location: 14q32.33.
Variant type: single nucleotide variant.
Coding change: c.2313C>G on transcript NM_015656.2 (MANE Select); coding-DNA position 2313, C replaced by G.
Protein change: p.Pro771=; no amino-acid change (proline 771 retained).
Molecular consequence: synonymous variant.
Genome position (GRCh38, 1-based): chr14:104,175,101, C>G. VCF-style: chr14-104175101-C-G. GRCh37 (hg19) VCF-style: chr14-104641438-C-G.
Identifiers: ClinVar variation 4820994 (VCV004820994.5).